The following is an entry in ClinVar:

NM_001029883.3(PCARE):c.3066C>T (p.Ser1022=)

Gene: PCARE (photoreceptor cilium actin regulator; minus strand). Cytogenetic location: 2p23.2.
Variant type: single nucleotide variant.
Coding change: c.3066C>T on transcript NM_001029883.3 (MANE Select); coding-DNA position 3066, C replaced by T.
Protein change: p.Ser1022=; no amino-acid change (serine 1022 retained).
Molecular consequence: synonymous variant.
Genome position (GRCh38, 1-based): chr2:29,071,196, G>A on the plus strand (C>T on the coding strand, the complement: PCARE is on the minus strand). VCF-style: chr2-29071196-G-A. GRCh37 (hg19) VCF-style: chr2-29294062-G-A.
Other names: c.3066C>T (NM_001029883.2).
Identifiers: ClinVar variation 1664852 (VCV001664852.10), dbSNP rs753389377, ClinGen allele CA425616860.
Genomic context (GRCh38, chr2:29,071,196, plus strand): 5'-GGGTGGGCTTAGCACCCTGGGGCTCACAGGTGGGCTGGGGGGCGTCTGCACAGCAGAGGG[G>A]CTTGGCTGGGCAGGTCTGTAAGAGGAGGGAAGGCTCCGGCGCCTCTTGTCTGCTTGAGGC-3'
Protein context (NP_001025054.1, residues 1012-1032): LPSSYRPAQP[Ser1022=]PSAVQTPPSP

ClinVar aggregate classification (germline): Likely benign. Review status: criteria provided, single submitter (1 of 4 stars). 2 submissions from 2 submitters: Likely benign (1). 1 of the submissions does not count toward it. Last evaluated 2024-04-20.

Conditions:
PCARE-related disorder. Also called: PCARE-related condition.

Allele frequency attached by ClinVar (database versions not stated): TOPMed below 0.00001; gnomAD 0.00001.
gnomAD v4.1: 4 of 1,599,106 alleles (0.00025%); highest among the groups gnomAD compares: African/African-American, 0.0054%; no homozygotes.

Submissions (2):

Labcorp Genetics (formerly Invitae), Labcorp
Classification: Likely benign. Last evaluated: 2024-04-20. Review status: criteria provided, single submitter. Criteria: Invitae Variant Classification Sherloc (09022015). Collection method: clinical testing. Allele origin: germline.

PreventionGenetics, part of Exact Sciences
Classification: Likely benign for PCARE-related condition. Last evaluated: 2022-03-02. Review status: no assertion criteria provided. Collection method: clinical testing. Allele origin: germline. Not counted in ClinVar's aggregate classification.
Comment: This variant is classified as likely benign based on ACMG/AMP sequence variant interpretation guidelines (Richards et al. 2015 PMID: 25741868, with internal and published modifications).